The following is an entry in ClinVar:

ClinVar aggregate classification (germline): Uncertain significance (1 of 4 stars; one submission).

Conditions:
Hereditary spastic paraplegia 3A (SPG3A). Also called: Spastic Paraplegia 3A; Spastic paraplegia 3A, autosomal dominant; SPASTIC PARAPLEGIA 3, AUTOSOMAL DOMINANT; FAMILIAL SPASTIC PARAPLEGIA, AUTOSOMAL DOMINANT, 1; SPG3; STRUMPELL DISEASE. Identifiers: Orphanet 100984, MedGen C2931355, MONDO:0008437, OMIM 182600.

Submission:

Labcorp Genetics (formerly Invitae), Labcorp
Classification: Uncertain significance for Hereditary spastic paraplegia 3A. Last evaluated: 2024-09-27. Review status: criteria provided, single submitter. Criteria: Invitae Variant Classification Sherloc (09022015). Collection method: clinical testing. Allele origin: germline.
Comment: This sequence change replaces valine, which is neutral and non-polar, with leucine, which is neutral and non-polar, at codon 37 of the ATL1 protein (p.Val37Leu). This variant is not present in population databases (gnomAD no frequency). This variant has not been reported in the literature in individuals affected with ATL1-related conditions. Invitae Evidence Modeling of protein sequence and biophysical properties (such as structural, functional, and spatial information, amino acid conservation, physicochemical variation, residue mobility, and thermodynamic stability) indicates that this missense variant is not expected to disrupt ATL1 protein function with a negative predictive value of 80%. In summary, the available evidence is currently insufficient to determine the role of this variant in disease. Therefore, it has been classified as a Variant of Uncertain Significance.

NM_015915.5(ATL1):c.109G>C (p.Val37Leu)

Gene: ATL1 (atlastin GTPase 1; plus strand). Cytogenetic location: 14q22.1.
Variant type: single nucleotide variant.
Coding change: c.109G>C on transcript NM_015915.5 (MANE Select); coding-DNA position 109, G replaced by C.
Protein change: p.Val37Leu; replaces valine 37 with leucine.
Molecular consequence: missense variant.
Genome position (GRCh38, 1-based): chr14:50,587,905, G>C. VCF-style: chr14-50587905-G-C. GRCh37 (hg19) VCF-style: chr14-51054623-G-C.
Other names: c.109G>C, p.Val37Leu (NM_001127713.1, NM_181598.4); short protein forms V37L.
Identifiers: ClinVar variation 3603884 (VCV003603884.2).